The following is an entry in ClinVar:

ClinVar aggregate classification (germline): Uncertain significance (1 of 4 stars; one submission).

Conditions:
Nemaline myopathy 6 (NEM6). Also called: Nemaline myopathy 6, autosomal dominant. Identifiers: Orphanet 171439, MedGen C1836472, MONDO:0012237, OMIM 609273.

gnomAD v4.1: 4 of 1,577,958 alleles (0.00025%); highest among the groups gnomAD compares: Admixed American, 0.0018%; no homozygotes.

Submission:

Labcorp Genetics (formerly Invitae), Labcorp
Classification: Uncertain significance for Nemaline myopathy 6. Last evaluated: 2025-03-27. Review status: criteria provided, single submitter. Criteria: Invitae Variant Classification Sherloc (09022015). Collection method: clinical testing. Allele origin: germline.
Comment: This sequence change affects codon 295 of the KBTBD13 mRNA. It is a 'silent' change, meaning that it does not change the encoded amino acid sequence of the KBTBD13 protein. The frequency data for this variant in the population databases is considered unreliable, as metrics indicate poor data quality at this position in the gnomAD database. This variant has not been reported in the literature in individuals affected with KBTBD13-related conditions. In summary, the available evidence is currently insufficient to determine the role of this variant in disease. Therefore, it has been classified as a Variant of Uncertain Significance.

NM_001101362.3(KBTBD13):c.885C>T (p.Ala295=)

Gene: KBTBD13 (kelch repeat and BTB domain containing 13; plus strand). Cytogenetic location: 15q22.31.
Variant type: single nucleotide variant.
Coding change: c.885C>T on transcript NM_001101362.3 (MANE Select); coding-DNA position 885, C replaced by T.
Protein change: p.Ala295=; no amino-acid change (alanine 295 retained).
Molecular consequence: synonymous variant.
Genome position (GRCh38, 1-based): chr15:65,077,700, C>T. VCF-style: chr15-65077700-C-T. GRCh37 (hg19) VCF-style: chr15-65370038-C-T.
Identifiers: ClinVar variation 4706322 (VCV004706322.1).